The following is an entry in ClinVar:

NM_006506.5(RASA2):c.1271C>T (p.Pro424Leu)

Gene: RASA2 (RAS p21 protein activator 2; plus strand). Cytogenetic location: 3q23.
Variant type: single nucleotide variant.
Coding change: c.1271C>T on transcript NM_006506.5 (MANE Select); coding-DNA position 1271, C replaced by T.
Protein change: p.Pro424Leu; replaces proline 424 with leucine.
Molecular consequence: missense variant.
Genome position (GRCh38, 1-based): chr3:141,572,710, C>T. VCF-style: chr3-141572710-C-T. GRCh37 (hg19) VCF-style: chr3-141291552-C-T.
Other names: c.1271C>T, p.Pro424Leu (NM_001303245.3, NM_001303246.3); short protein forms P424L.
Identifiers: ClinVar variation 3680630 (VCV003680630.2).
Genomic context (GRCh38, chr3:141,572,710, plus strand): 5'-GATGTCTGGATGAGATGATGAAAATAGTGGGAGGGCACTACCTGAAAGTAACATTAAAAC[C>T]TATTCTTGATGAGGTACAGAATATATCTCCAACAATGATAGTTTGTGGCCTTATGATAGT-3'
Protein context (NP_006497.2, residues 414-434): GGHYLKVTLK[Pro424Leu]ILDEICDSSK

ClinVar aggregate classification (germline): Uncertain significance (1 of 4 stars; one submission).

Submission:

Labcorp Genetics (formerly Invitae), Labcorp
Classification: Uncertain significance. Last evaluated: 2025-01-31. Review status: criteria provided, single submitter. Criteria: Invitae Variant Classification Sherloc (09022015). Collection method: clinical testing. Allele origin: germline.
Comment: This sequence change replaces proline, which is neutral and non-polar, with leucine, which is neutral and non-polar, at codon 424 of the RASA2 protein (p.Pro424Leu). This variant is not present in population databases (gnomAD no frequency). This variant has not been reported in the literature in individuals affected with RASA2-related conditions. Invitae Evidence Modeling of protein sequence and biophysical properties (such as structural, functional, and spatial information, amino acid conservation, physicochemical variation, residue mobility, and thermodynamic stability) indicates that this missense variant is not expected to disrupt RASA2 protein function with a negative predictive value of 80%. In summary, the available evidence is currently insufficient to determine the role of this variant in disease. Therefore, it has been classified as a Variant of Uncertain Significance.